The following is an entry in ClinVar:

NM_020461.4(TUBGCP6):c.3935G>C (p.Ser1312Thr)

Gene: TUBGCP6 (tubulin gamma complex component 6; minus strand). Cytogenetic location: 22q13.33.
Variant type: single nucleotide variant.
Coding change: c.3935G>C on transcript NM_020461.4 (MANE Select); coding-DNA position 3935, G replaced by C.
Protein change: p.Ser1312Thr; replaces serine 1312 with threonine.
Molecular consequence: missense variant.
Genome position (GRCh38, 1-based): chr22:50,220,424, C>G on the plus strand (G>C on the coding strand, the complement: TUBGCP6 is on the minus strand). VCF-style: chr22-50220424-C-G. GRCh37 (hg19) VCF-style: chr22-50658853-C-G.
Other names: short protein forms S1312T.
Identifiers: ClinVar variation 1011691 (VCV001011691.9), dbSNP rs2064498046, ClinGen allele CA412177690.

ClinVar aggregate classification (germline): Uncertain significance (1 of 4 stars; one submission).

Submission:

Labcorp Genetics (formerly Invitae), Labcorp
Classification: Uncertain significance. Last evaluated: 2020-01-29. Review status: criteria provided, single submitter. Criteria: Invitae Variant Classification Sherloc (09022015). Collection method: clinical testing. Allele origin: germline.
Comment: In summary, the available evidence is currently insufficient to determine the role of this variant in disease. Therefore, it has been classified as a Variant of Uncertain Significance. Algorithms developed to predict the effect of missense changes on protein structure and function (SIFT, PolyPhen-2, Align-GVGD) all suggest that this variant is likely to be tolerated, but these predictions have not been confirmed by published functional studies and their clinical significance is uncertain. This variant has not been reported in the literature in individuals with TUBGCP6-related conditions. This variant is not present in population databases (ExAC no frequency). This sequence change replaces serine with threonine at codon 1312 of the TUBGCP6 protein (p.Ser1312Thr). The serine residue is weakly conserved and there is a small physicochemical difference between serine and threonine.